The following is an entry in ClinVar:

ClinVar aggregate classification (germline): Pathogenic (1 of 4 stars; one submission).

Conditions:
Duchenne muscular dystrophy (DMD). Also called: MUSCULAR DYSTROPHY, PSEUDOHYPERTROPHIC PROGRESSIVE, DUCHENNE TYPE; Duchenne Muscular Dystrophy (DMD). Identifiers: Orphanet 98896, MedGen C0013264, MONDO:0010679, OMIM 310200.

Submission:

Labcorp Genetics (formerly Invitae), Labcorp
Classification: Pathogenic for Duchenne muscular dystrophy. Last evaluated: 2016-07-21. Review status: criteria provided, single submitter. Criteria: Invitae Variant Classification Sherloc (09022015). Collection method: clinical testing. Allele origin: germline.
Comment: For these reasons, this variant has been classified as Pathogenic. Loss-of-function variants in DMD are known to be pathogenic. This particular variant has been reported in the literature in an individual affected with muscular dystrophy (PMID: 23756440). This sequence change inserts 1 nucleotide in exon 4 of the DMD mRNA (c.238dupG), causing a frameshift at codon 80. This creates a premature translational stop signal (p.Ala80Glyfs*9) and is expected to result in an absent or disrupted protein product.

Literature cited by the submitters: PubMed 23756440.

NM_004006.3(DMD):c.238dup (p.Ala80fs)

Gene: DMD (dystrophin; minus strand). Cytogenetic location: Xp21.1.
Variant type: Duplication.
Coding change: c.238dup on transcript NM_004006.3 (MANE Select); coding-DNA position 238, one base duplicated (G; older notation c.238dupG).
Protein change: p.Ala80fs; shifts the reading frame from alanine 80.
Molecular consequence: frameshift variant. On other transcripts: 5 prime UTR variant (1).
Genome position (GRCh38, 1-based): chrX:32,844,809, C duplicated on the plus strand (G on the coding strand, the reverse complement: DMD is on the minus strand); the first of 2 consecutive C bases (chrX:32,844,809-32,844,810); duplicating either gives the same sequence. VCF-style (leftmost placement, unchanged base first): chrX-32844808-G-GC. GRCh37 (hg19) VCF-style: chrX-32862925-G-GC.
Other names: c.214dup, p.Ala72fs (NM_000109.4); c.226dup, p.Ala76fs (NM_004009.3); c.-132dup (NM_004010.3); c.238dupG (NM_004006.2); short protein forms A72fs, A76fs, A80fs.
Identifiers: ClinVar variation 409930 (VCV000409930.9), dbSNP rs1557079469, ClinGen allele CA16616537.